The following is an entry in ClinVar:

ClinVar aggregate classification (germline): Likely benign. Review status: criteria provided, multiple submitters, no conflicts (2 of 4 stars). 4 submissions from 4 submitters: Likely benign (4). Last evaluated 2026-01-28.

Conditions:
Coenzyme Q10 deficiency, primary, 3 (COQ10D3). Identifiers: Orphanet 255249, MedGen C3553358, MONDO:0013838, OMIM 614652.

Allele frequency attached by ClinVar (database versions not stated): ExAC 0.00005; gnomAD exomes 0.00006; gnomAD 0.00009 and 0.00010; TOPMed 0.00010.
gnomAD v4.1: 425 of 1,613,888 alleles (0.026%); highest among the groups gnomAD compares: Non-Finnish European, 0.035%; 1 homozygote.

Submissions (4):

Labcorp Genetics (formerly Invitae), Labcorp
Classification: Likely benign. Last evaluated: 2026-01-28. Review status: criteria provided, single submitter. Criteria: Invitae Variant Classification Sherloc (09022015). Collection method: clinical testing. Allele origin: germline.

Blueprint Genetics
Classification: Likely benign. Last evaluated: 2024-09-20. Review status: criteria provided, single submitter. Criteria: ACMG Guidelines, 2015. Collection method: clinical testing. Allele origin: germline.

Fulgent Genetics
Classification: Likely benign for Coenzyme Q10 deficiency, primary, 3. Last evaluated: 2021-12-27. Review status: criteria provided, single submitter. Criteria: ACMG Guidelines, 2015. Collection method: clinical testing. Allele origin: unknown.

GeneDx
Classification: Likely benign. Last evaluated: 2017-03-13. Review status: criteria provided, single submitter. Criteria: GeneDx Variant Classification (06012015). Collection method: clinical testing. Allele origin: germline. Affected: yes.
Comment: This variant is considered likely benign or benign based on one or more of the following criteria: it is a conservative change, it occurs at a poorly conserved position in the protein, it is predicted to be benign by multiple in silico algorithms, and/or has population frequency not consistent with disease.

NM_020381.4(PDSS2):c.81G>A (p.Pro27=)

Gene: PDSS2 (decaprenyl diphosphate synthase subunit 2; minus strand). Cytogenetic location: 6q21.
Variant type: single nucleotide variant.
Coding change: c.81G>A on transcript NM_020381.4 (MANE Select); coding-DNA position 81, G replaced by A.
Protein change: p.Pro27=; no amino-acid change (proline 27 retained).
Molecular consequence: synonymous variant.
Genome position (GRCh38, 1-based): chr6:107,459,205, C>T on the plus strand (G>A on the coding strand, the complement: PDSS2 is on the minus strand). VCF-style: chr6-107459205-C-T. GRCh37 (hg19) VCF-style: chr6-107780409-C-T.
Identifiers: ClinVar variation 507812 (VCV000507812.10), dbSNP rs754281828, ClinGen allele CA3946198.